The following is an entry in ClinVar:

NM_015425.6(POLR1A):c.1700G>A (p.Arg567His)

Genes: POLR1A (RNA polymerase I subunit A; minus strand), LOC126806264 (MED14-independent group 3 enhancer GRCh37_chr2:86296595-86297794; plus strand). Cytogenetic location: 2p11.2.
Variant type: single nucleotide variant.
Coding change: c.1700G>A on transcript NM_015425.6 (MANE Select); coding-DNA position 1700, G replaced by A.
Protein change: p.Arg567His; replaces arginine 567 with histidine.
Molecular consequence: missense variant.
Genome position (GRCh38, 1-based): chr2:86,070,184, C>T on the plus strand (G>A on the coding strand, the complement: POLR1A is on the minus strand). VCF-style: chr2-86070184-C-T. GRCh37 (hg19) VCF-style: chr2-86297307-C-T.
Other names: short protein forms R567H.
Identifiers: ClinVar variation 1484430 (VCV001484430.6), dbSNP rs753139894, ClinGen allele CA1746256.

ClinVar aggregate classification (germline): Uncertain significance (1 of 4 stars; one submission).

Allele frequency attached by ClinVar (database versions not stated): ExAC 0.00001; gnomAD 0.00001; gnomAD exomes 0.00001; TOPMed 0.00002.
gnomAD v4.1: 18 of 1,613,990 alleles (0.0011%); highest among the groups gnomAD compares: South Asian, 0.0033%; no homozygotes.

Submission:

Labcorp Genetics (formerly Invitae), Labcorp
Classification: Uncertain significance. Last evaluated: 2021-09-29. Review status: criteria provided, single submitter. Criteria: Invitae Variant Classification Sherloc (09022015). Collection method: clinical testing. Allele origin: germline.
Comment: In summary, the available evidence is currently insufficient to determine the role of this variant in disease. Therefore, it has been classified as a Variant of Uncertain Significance. Algorithms developed to predict the effect of missense changes on protein structure and function output the following: SIFT: "Not Available"; PolyPhen-2: "Benign"; Align-GVGD: "Not Available". The histidine amino acid residue is found in multiple mammalian species, which suggests that this missense change does not adversely affect protein function. This variant has not been reported in the literature in individuals affected with POLR1A-related conditions. This variant is present in population databases (rs753139894, ExAC 0.002%). This sequence change replaces arginine with histidine at codon 567 of the POLR1A protein (p.Arg567His). The arginine residue is highly conserved and there is a small physicochemical difference between arginine and histidine.